The following is an entry in ClinVar:

ClinVar aggregate classification (germline): Likely benign. Review status: criteria provided, multiple submitters, no conflicts (2 of 4 stars). 2 submissions from 2 submitters: Likely benign (2). Last evaluated 2026-06-01.

Allele frequency attached by ClinVar (database versions not stated): gnomAD 0.00001; TOPMed 0.00001; ExAC 0.00004.

Submissions (2):

CeGaT Center for Human Genetics Tuebingen
Classification: Likely benign. Last evaluated: 2026-06-01. Review status: criteria provided, single submitter. Criteria: CeGaT Center For Human Genetics Tuebingen Variant Classification Criteria Version 2. Collection method: clinical testing. Allele origin: germline. Affected: yes. Observed: 1 variant allele.
Comment: CAMK2B: BP4, BP7

Labcorp Genetics (formerly Invitae), Labcorp
Classification: Likely benign. Last evaluated: 2024-10-27. Review status: criteria provided, single submitter. Criteria: Invitae Variant Classification Sherloc (09022015). Collection method: clinical testing. Allele origin: germline.

NM_001220.5(CAMK2B):c.1626G>A (p.Thr542=)

Gene: CAMK2B (calcium/calmodulin dependent protein kinase II beta; minus strand). Cytogenetic location: 7p13.
Variant type: single nucleotide variant.
Coding change: c.1626G>A on transcript NM_001220.5 (MANE Select); coding-DNA position 1626, G replaced by A.
Protein change: p.Thr542=; no amino-acid change (threonine 542 retained).
Molecular consequence: synonymous variant.
Genome position (GRCh38, 1-based): chr7:44,220,873, C>T on the plus strand (G>A on the coding strand, the complement: CAMK2B is on the minus strand). VCF-style: chr7-44220873-C-T. GRCh37 (hg19) VCF-style: chr7-44260472-C-T.
Other names: c.1254G>A, p.Thr418= (NM_001293170.2, NM_172078.3); c.1182G>A, p.Thr394= (NM_172079.3, NM_172082.3); c.1179G>A, p.Thr393= (NM_172080.3); c.1137G>A, p.Thr379= (NM_172081.3); c.1065G>A, p.Thr355= (NM_172083.3); c.975G>A, p.Thr325= (NM_172084.3).
Identifiers: ClinVar variation 1556230 (VCV001556230.11), dbSNP rs765046520, ClinGen allele CA4240176.